The following is an entry in ClinVar:

ClinVar aggregate classification (germline): Benign/Likely benign. Review status: criteria provided, multiple submitters, no conflicts (2 of 4 stars). 3 submissions from 3 submitters: Benign (1); Likely benign (2). Last evaluated 2024-10-08.

Conditions:
Hereditary cancer-predisposing syndrome. Also called: Tumor predisposition; Neoplastic Syndromes, Hereditary; Hereditary Cancer Syndrome; Hereditary neoplastic syndrome. Identifiers: Orphanet 140162, MedGen C0027672, MeSH D009386, MONDO:0015356.
Familial cancer of breast. Also called: Hereditary breast cancer; BREAST CANCER, FAMILIAL; hereditary breast carcinoma. Identifiers: Orphanet 227535, MedGen C0346153, MONDO:0016419, OMIM 114480. Disease mechanism: loss of function.

Submissions (3):

Myriad Genetics, Inc.
Classification: Benign for Familial cancer of breast. Last evaluated: 2024-10-08. Review status: criteria provided, single submitter. Criteria: Myriad Autosomal Dominant, Autosomal Recessive and X-Linked Classification Criteria (2023). Collection method: clinical testing. Allele origin: unknown.
Comment: This variant is considered benign. This variant is a silent/synonymous amino acid change and it is not expected to impact splicing.

Labcorp Genetics (formerly Invitae), Labcorp
Classification: Likely benign for Familial cancer of breast. Last evaluated: 2023-10-04. Review status: criteria provided, single submitter. Criteria: Invitae Variant Classification Sherloc (09022015). Collection method: clinical testing. Allele origin: germline.

Ambry Genetics
Classification: Likely benign for Hereditary cancer-predisposing syndrome. Last evaluated: 2019-05-22. Review status: criteria provided, single submitter. Criteria: Ambry Variant Classification Scheme 2023. Collection method: clinical testing. Allele origin: germline.

NM_007194.4(CHEK2):c.1335C>T (p.Tyr445=)

Gene: CHEK2 (checkpoint kinase 2; minus strand). Cytogenetic location: 22q12.1.
Variant type: single nucleotide variant.
Coding change: c.1335C>T on transcript NM_007194.4 (MANE Select); coding-DNA position 1335, C replaced by T.
Protein change: p.Tyr445=; no amino-acid change (tyrosine 445 retained).
Molecular consequence: synonymous variant.
Genome position (GRCh38, 1-based): chr22:28,695,167, G>A on the plus strand (C>T on the coding strand, the complement: CHEK2 is on the minus strand). VCF-style: chr22-28695167-G-A. GRCh37 (hg19) VCF-style: chr22-29091155-G-A.
Other names: c.1464C>T, p.Tyr488= (NM_001005735.3); c.672C>T, p.Tyr224= (NM_001257387.3); c.1134C>T, p.Tyr378= (NM_001349956.3); c.1248C>T, p.Tyr416= (NM_145862.3).
Identifiers: ClinVar variation 758376 (VCV000758376.14), dbSNP rs1601719469, ClinGen allele CA513944809.